The following is an entry in ClinVar:

NM_007294.4(BRCA1):c.1470A>G (p.Pro490=)

Gene: BRCA1 (BRCA1 DNA repair associated; minus strand). Cytogenetic location: 17q21.31.
Variant type: single nucleotide variant.
Coding change: c.1470A>G on transcript NM_007294.4 (MANE Select); coding-DNA position 1470, A replaced by G.
Protein change: p.Pro490=; no amino-acid change (proline 490 retained).
Molecular consequence: synonymous variant. On other transcripts: intron variant (137).
Genome position (GRCh38, 1-based): chr17:43,094,061, T>C on the plus strand (A>G on the coding strand, the complement: BRCA1 is on the minus strand). VCF-style: chr17-43094061-T-C. GRCh37 (hg19) VCF-style: chr17-41246078-T-C.
Other names: c.1206A>G, p.Pro402= (NM_001407920.1, NM_001407921.1, NM_001407922.1 and 9 more transcripts); c.1203A>G, p.Pro401= (NM_001407930.1, NM_001407931.1, NM_001407932.1 and 2 more transcripts); c.1347A>G, p.Pro449= (NM_001407937.1, NM_001407938.1, NM_001407939.1 and 19 more transcripts); c.1344A>G, p.Pro448= (NM_001407940.1, NM_001407941.1, NM_001407649.1 and 11 more transcripts); c.1329A>G, p.Pro443= (NM_001407942.1, NM_001407944.1, NM_001407945.1 and 29 more transcripts); c.1326A>G, p.Pro442= (NM_001407943.1, NM_001407964.1, NM_001407740.1 and 20 more transcripts); c.1137A>G, p.Pro379= (NM_001407946.1, NM_001407947.1, NM_001407948.1 and 6 more transcripts); c.1134A>G, p.Pro378= (NM_001407954.1, NM_001407955.1, NM_001407956.1 and 1 more transcripts); and 40 more.
Identifiers: ClinVar variation 184840 (VCV000184840.33), dbSNP rs775032066, ClinGen allele CA000987.

ClinVar aggregate classification (germline): Likely benign. Review status: reviewed by expert panel (3 of 4 stars). 11 submissions from 11 submitters: Likely benign (1). 10 of the submissions do not count toward it. Last evaluated 2017-06-29.

Conditions:
Hereditary breast ovarian cancer syndrome. Also called: Hereditary breast and ovarian cancer syndrome; Hereditary breast and ovarian cancer syndrome (HBOC); BRCA1- and BRCA2-Associated Hereditary Breast and Ovarian Cancer; Breast and ovarian cancer; Hereditary breast and ovarian cancer; Hereditary breast and/or ovarian cancer syndrome. Identifiers: Orphanet 145, MedGen C0677776, MeSH D061325, MONDO:0003582. Disease mechanism: loss of function.
Hereditary cancer-predisposing syndrome. Also called: Hereditary Cancer Syndrome; Hereditary neoplastic syndrome; Tumor predisposition; Neoplastic Syndromes, Hereditary. Identifiers: Orphanet 140162, MedGen C0027672, MeSH D009386, MONDO:0015356.
Breast-ovarian cancer, familial, susceptibility to, 1 (BROVCA1). Also called: OVARIAN CANCER, SUSCEPTIBILITY TO; BRCA1 Hereditary Breast and Ovarian Cancer. Identifiers: Orphanet 145, MedGen C2676676, MONDO:0011450, OMIM 604370. Disease mechanism: loss of function.

Allele frequency attached by ClinVar (database versions not stated): gnomAD 0.00003 and 0.00004; ExAC 0.00006; gnomAD exomes 0.00006 and 0.00012; TOPMed 0.00004.

Submissions (11):

Evidence-based Network for the Interpretation of Germline Mutant Alleles (ENIGMA)
Classification: Likely benign for Breast-ovarian cancer, familial, susceptibility to, 1. Last evaluated: 2017-06-29. Review status: reviewed by expert panel. Criteria: ENIGMA BRCA1/2 Classification Criteria (2017-06-29). Collection method: curation. Allele origin: germline.
Comment: Synonymous substitution variant, with low bioinformatic likelihood to result in a splicing aberration (Splicing prior probability 0.02).

Labcorp Genetics (formerly Invitae), Labcorp
Classification: Likely benign for Hereditary breast ovarian cancer syndrome. Last evaluated: 2026-01-21. Review status: criteria provided, single submitter. Criteria: Invitae Variant Classification Sherloc (09022015). Collection method: clinical testing. Allele origin: germline. Not counted in ClinVar's aggregate classification.

All of Us Research Program, National Institutes of Health
Classification: Likely benign for Breast-ovarian cancer, familial, susceptibility to, 1. Last evaluated: 2023-12-18. Review status: criteria provided, single submitter. Criteria: ACMG Guidelines, 2015. Collection method: clinical testing. Allele origin: germline. Inheritance: Autosomal dominant inheritance. Observed: 5 variant alleles, 5 heterozygotes. Not counted in ClinVar's aggregate classification.
Comment: This study involves interpretation of variants in research participants for the purpose of population health screening. Participant phenotype was not available at the time of variant classification. Additional details can be found in publication PMID: 35346344, PMCID: PMC8962531

Quest Diagnostics Nichols Institute San Juan Capistrano
Classification: Benign. Last evaluated: 2023-03-28. Review status: criteria provided, single submitter. Criteria: Quest Diagnostics criteria. Collection method: clinical testing. Allele origin: unknown. Not counted in ClinVar's aggregate classification.

Sema4
Classification: Likely benign for Hereditary cancer-predisposing syndrome. Last evaluated: 2022-03-05. Review status: criteria provided, single submitter. Criteria: Sema4 Curation Guidelines. Collection method: curation. Allele origin: germline. Not counted in ClinVar's aggregate classification.

Women's Health and Genetics/Laboratory Corporation of America, LabCorp
Classification: Likely benign. Last evaluated: 2020-01-31. Review status: criteria provided, single submitter. Criteria: LabCorp Variant Classification Summary - May 2015. Collection method: clinical testing. Allele origin: germline. Not counted in ClinVar's aggregate classification.

ARUP Laboratories, Molecular Genetics and Genomics, ARUP Laboratories
Classification: Likely benign. Last evaluated: 2019-04-26. Review status: criteria provided, single submitter. Criteria: ARUP Molecular Germline Variant Investigation Process. Collection method: clinical testing. Allele origin: germline. Not counted in ClinVar's aggregate classification.

GeneDx
Classification: Likely benign. Last evaluated: 2018-10-18. Review status: criteria provided, single submitter. Criteria: GeneDx Variant Classification Process June 2021. Collection method: clinical testing. Allele origin: germline. Affected: yes. Not counted in ClinVar's aggregate classification.

PreventionGenetics, part of Exact Sciences
Classification: Likely benign. Last evaluated: 2017-02-24. Review status: criteria provided, single submitter. Criteria: ACMG Guidelines, 2015. Collection method: clinical testing. Allele origin: germline. Not counted in ClinVar's aggregate classification.

Color Diagnostics, LLC DBA Color Health
Classification: Likely benign for Hereditary cancer-predisposing syndrome. Last evaluated: 2016-10-24. Review status: criteria provided, single submitter. Criteria: ACMG Guidelines, 2015. Collection method: clinical testing. Allele origin: germline. Not counted in ClinVar's aggregate classification.

Ambry Genetics
Classification: Likely benign for Hereditary cancer-predisposing syndrome. Last evaluated: 2014-07-01. Review status: criteria provided, single submitter. Criteria: Ambry Variant Classification Scheme 2023. Collection method: clinical testing. Allele origin: germline. Not counted in ClinVar's aggregate classification.

Literature cited by the submitters: PubMed 16267036 (cited by Women's Health and Genetics/Laboratory Corporation of America, LabCorp).